The following is an entry in ClinVar:

ClinVar aggregate classification (germline): Conflicting classifications of pathogenicity. Review status: criteria provided, conflicting classifications (1 of 4 stars). 2 submissions from 2 submitters: Uncertain significance (1); Likely benign (1). Last evaluated 2024-11-08.

Conditions:
Inborn genetic diseases. Identifiers: MedGen C0950123, MeSH D030342.

Allele frequency attached by ClinVar (database versions not stated): gnomAD exomes 0.00002; ExAC 0.00003; gnomAD 0.00003; TOPMed 0.00003; ESP Exome Variant Server 0.00015.
gnomAD v4.1: 28 of 1,604,970 alleles (0.0017%); highest among the groups gnomAD compares: Non-Finnish European, 0.00026%; no homozygotes.

Submissions (2):

Ambry Genetics
Classification: Likely benign for Inborn genetic diseases. Last evaluated: 2024-11-08. Review status: criteria provided, single submitter. Criteria: Ambry Variant Classification Scheme 2023. Collection method: clinical testing. Allele origin: germline.

Labcorp Genetics (formerly Invitae), Labcorp
Classification: Uncertain significance. Last evaluated: 2022-09-23. Review status: criteria provided, single submitter. Criteria: Invitae Variant Classification Sherloc (09022015). Collection method: clinical testing. Allele origin: germline.
Comment: This sequence change replaces glutamic acid, which is acidic and polar, with lysine, which is basic and polar, at codon 234 of the FBXO11 protein (p.Glu234Lys). This variant is present in population databases (rs138499176, gnomAD 0.07%). This variant has not been reported in the literature in individuals affected with FBXO11-related conditions. Algorithms developed to predict the effect of missense changes on protein structure and function are either unavailable or do not agree on the potential impact of this missense change (SIFT: "Deleterious"; PolyPhen-2: "Benign"; Align-GVGD: "Class C0"). In summary, the available evidence is currently insufficient to determine the role of this variant in disease. Therefore, it has been classified as a Variant of Uncertain Significance.

NM_001190274.2(FBXO11):c.700G>A (p.Glu234Lys)

Gene: FBXO11 (F-box protein 11; minus strand). Cytogenetic location: 2p16.3.
Variant type: single nucleotide variant.
Coding change: c.700G>A on transcript NM_001190274.2 (MANE Select); coding-DNA position 700, G replaced by A.
Protein change: p.Glu234Lys; replaces glutamic acid 234 with lysine.
Molecular consequence: missense variant.
Genome position (GRCh38, 1-based): chr2:47,835,889, C>T on the plus strand (G>A on the coding strand, the complement: FBXO11 is on the minus strand). VCF-style: chr2-47835889-C-T. GRCh37 (hg19) VCF-style: chr2-48063028-C-T.
Other names: c.700G>A (NM_001190274.1); c.448G>A, p.Glu150Lys (NM_001374325.1, NM_025133.4); short protein forms E150K, E234K.
Identifiers: ClinVar variation 2182021 (VCV002182021.5), dbSNP rs138499176, ClinGen allele CA1650050.